The following is an entry in ClinVar:

NM_152703.5(SAMD9L):c.412A>G (p.Lys138Glu)

Gene: SAMD9L (sterile alpha motif domain containing 9 like; minus strand). Cytogenetic location: 7q21.2.
Variant type: single nucleotide variant.
Coding change: c.412A>G on transcript NM_152703.5 (MANE Select); coding-DNA position 412, A replaced by G.
Protein change: p.Lys138Glu; replaces lysine 138 with glutamic acid.
Molecular consequence: missense variant.
Genome position (GRCh38, 1-based): chr7:93,135,560, T>C on the plus strand (A>G on the coding strand, the complement: SAMD9L is on the minus strand). VCF-style: chr7-93135560-T-C. GRCh37 (hg19) VCF-style: chr7-92764873-T-C.
Other names: c.412A>G, p.Lys138Glu (NM_001303496.3, NM_001303497.3, NM_001303498.3 and 5 more transcripts); short protein forms K138E.
Identifiers: ClinVar variation 2446535 (VCV002446535.1), dbSNP rs2535438251, ClinGen allele CA368203437.

ClinVar aggregate classification (germline): Uncertain significance (1 of 4 stars; one submission).

Submission:

GeneDx
Classification: Uncertain significance. Last evaluated: 2022-09-30. Review status: criteria provided, single submitter. Criteria: GeneDx Variant Classification Process June 2021. Collection method: clinical testing. Allele origin: germline. Affected: yes.
Comment: Not observed at significant frequency in large population cohorts (gnomAD); In silico analysis supports that this missense variant does not alter protein structure/function; Has not been previously published as pathogenic or benign to our knowledge